The following is an entry in ClinVar:

NM_015488.5(PNKD):c.436G>A (p.Val146Met)

Genes: CATIP-AS2 (CATIP antisense RNA 2; minus strand), PNKD (PNKD metallo-beta-lactamase domain containing; plus strand). Cytogenetic location: 2q35.
Variant type: single nucleotide variant.
Coding change: c.436G>A on transcript NM_015488.5 (MANE Select); coding-DNA position 436, G replaced by A.
Protein change: p.Val146Met; replaces valine 146 with methionine.
Molecular consequence: missense variant.
Genome position (GRCh38, 1-based): chr2:218,340,112, G>A. VCF-style: chr2-218340112-G-A. GRCh37 (hg19) VCF-style: chr2-219204835-G-A.
Other names: c.364G>A, p.Val122Met (NM_022572.5); short protein forms V146M, V122M.
Identifiers: ClinVar variation 3002875 (VCV003002875.3), dbSNP rs2469463202, ClinGen allele CA350538761.

ClinVar aggregate classification (germline): Uncertain significance (1 of 4 stars; one submission).

Conditions:
Paroxysmal nonkinesigenic dyskinesia. Also called: Paroxysmal non-kinesigenic dyskinesia. Identifiers: Orphanet 98810, MedGen C1869117, MONDO:0700088.

Allele frequency attached by ClinVar (database versions not stated): gnomAD exomes below 0.00001.
gnomAD v4.1: 3 of 1,613,604 alleles (0.00019%); highest among the groups gnomAD compares: South Asian, 0.0033%; no homozygotes.

Submission:

Labcorp Genetics (formerly Invitae), Labcorp
Classification: Uncertain significance for Paroxysmal nonkinesigenic dyskinesia. Last evaluated: 2023-12-09. Review status: criteria provided, single submitter. Criteria: Invitae Variant Classification Sherloc (09022015). Collection method: clinical testing. Allele origin: germline.
Comment: This sequence change replaces valine, which is neutral and non-polar, with methionine, which is neutral and non-polar, at codon 146 of the PNKD protein (p.Val146Met). This variant is not present in population databases (gnomAD no frequency). This variant has not been reported in the literature in individuals affected with PNKD-related conditions. Advanced modeling of protein sequence and biophysical properties (such as structural, functional, and spatial information, amino acid conservation, physicochemical variation, residue mobility, and thermodynamic stability) performed at Invitae indicates that this missense variant is expected to disrupt PNKD protein function with a positive predictive value of 80%. In summary, the available evidence is currently insufficient to determine the role of this variant in disease. Therefore, it has been classified as a Variant of Uncertain Significance.